The following is an entry in ClinVar:

ClinVar aggregate classification (germline): Uncertain significance (1 of 4 stars; one submission).

Conditions:
Paroxysmal nonkinesigenic dyskinesia. Also called: Paroxysmal non-kinesigenic dyskinesia. Identifiers: Orphanet 98810, MedGen C1869117, MONDO:0700088.

Allele frequency attached by ClinVar (database versions not stated): TOPMed 0.00005; gnomAD 0.00005 and 0.00004; gnomAD exomes 0.00002; ExAC 0.00004.

Submission:

Labcorp Genetics (formerly Invitae), Labcorp
Classification: Uncertain significance for Paroxysmal nonkinesigenic dyskinesia. Last evaluated: 2025-11-23. Review status: criteria provided, single submitter. Criteria: Invitae Variant Classification Sherloc (09022015). Collection method: clinical testing. Allele origin: germline.
Comment: This sequence change falls in intron 8 of the PNKD gene. It does not directly change the encoded amino acid sequence of the PNKD protein. This variant is present in population databases (rs375416202, gnomAD 0.007%). This variant has not been reported in the literature in individuals affected with PNKD-related conditions. ClinVar contains an entry for this variant (Variation ID: 940809). Algorithms developed to predict the effect of sequence changes on RNA splicing suggest that this variant may create or strengthen a splice site. In summary, the available evidence is currently insufficient to determine the role of this variant in disease. Therefore, it has been classified as a Variant of Uncertain Significance.

NM_015488.5(PNKD):c.869-5G>A

Genes: CATIP-AS2 (CATIP antisense RNA 2; minus strand), PNKD (PNKD metallo-beta-lactamase domain containing; plus strand). Cytogenetic location: 2q35.
Variant type: single nucleotide variant.
Coding change: c.869-5G>A on transcript NM_015488.5 (MANE Select); 5 bases into the intron before coding-DNA position 869, G replaced by A.
Molecular consequence: intron variant.
Genome position (GRCh38, 1-based): chr2:218,344,450, G>A. VCF-style: chr2-218344450-G-A. GRCh37 (hg19) VCF-style: chr2-219209173-G-A.
Other names: c.797-5G>A (NM_022572.4).
Identifiers: ClinVar variation 940809 (VCV000940809.7), dbSNP rs375416202, ClinGen allele CA2104141.